The following is an entry in ClinVar:

NM_001040108.2(MLH3):c.2761A>T (p.Met921Leu)

Gene: MLH3 (mutL homolog 3; minus strand). Cytogenetic location: 14q24.3.
Variant type: single nucleotide variant.
Coding change: c.2761A>T on transcript NM_001040108.2 (MANE Select); coding-DNA position 2761, A replaced by T.
Protein change: p.Met921Leu; replaces methionine 921 with leucine.
Molecular consequence: missense variant.
Genome position (GRCh38, 1-based): chr14:75,046,895, T>A on the plus strand (A>T on the coding strand, the complement: MLH3 is on the minus strand). VCF-style: chr14-75046895-T-A. GRCh37 (hg19) VCF-style: chr14-75513598-T-A.
Other names: c.2761A>T, p.Met921Leu (NM_014381.3); short protein forms M921L.
Identifiers: ClinVar variation 4108686 (VCV004108686.1).

ClinVar aggregate classification (germline): Uncertain significance (1 of 4 stars; one submission).

Submission:

Ambry Genetics
Classification: Uncertain significance. Last evaluated: 2025-09-07. Review status: criteria provided, single submitter. Criteria: Ambry Variant Classification Scheme 2023. Collection method: clinical testing. Allele origin: germline.
Comment: The p.M921L variant (also known as c.2761A>T), located in coding exon 1 of the MLH3 gene, results from an A to T substitution at nucleotide position 2761. The methionine at codon 921 is replaced by leucine, an amino acid with highly similar properties. This amino acid position is conserved. In addition, this alteration is predicted to be tolerated by in silico analysis. Based on the available evidence, the clinical significance of this variant remains unclear.